The following is an entry in ClinVar:

ClinVar aggregate classification (germline): Benign/Likely benign. Review status: criteria provided, multiple submitters, no conflicts (2 of 4 stars). 2 submissions from 2 submitters: Benign (1); Likely benign (1). Last evaluated 2025-10-10.

Conditions:
Developmental and epileptic encephalopathy, 27 (DEE27). Also called: GRIN2B-Related Neurodevelopmental Disorder; Epileptic encephalopathy, early infantile, 27. Identifiers: Orphanet 3451, MedGen C4015316, MONDO:0014505, OMIM 616139.
Intellectual developmental disorder, autosomal dominant 6, with or without seizures. Also called: GRIN2B-related developmental delay, intellectual disability and autism spectrum disorder; Intellectual disability, autosomal dominant 6. Identifiers: Orphanet 589547, MedGen C3151411, MONDO:0013509, OMIM 613970.

Allele frequency attached by ClinVar (database versions not stated): gnomAD 0.00003 and 0.00002; gnomAD exomes 0.00007; TOPMed 0.00008; ExAC 0.00005.
gnomAD v4.1: 116 of 1,614,048 alleles (0.0072%); highest among the groups gnomAD compares: Admixed American, 0.022%; no homozygotes.

Submissions (2):

Labcorp Genetics (formerly Invitae), Labcorp
Classification: Benign for Developmental and epileptic encephalopathy, 27; Intellectual developmental disorder, autosomal dominant 6, with or without seizures. Last evaluated: 2025-10-10. Review status: criteria provided, single submitter. Criteria: Invitae Variant Classification Sherloc (09022015). Collection method: clinical testing. Allele origin: germline.

GeneDx
Classification: Likely benign. Last evaluated: 2017-10-16. Review status: criteria provided, single submitter. Criteria: GeneDx Variant Classification (06012015). Collection method: clinical testing. Allele origin: germline. Affected: yes.
Comment: This variant is considered likely benign or benign based on one or more of the following criteria: it is a conservative change, it occurs at a poorly conserved position in the protein, it is predicted to be benign by multiple in silico algorithms, and/or has population frequency not consistent with disease.

NM_000834.5(GRIN2B):c.4107C>T (p.Gly1369=)

Gene: GRIN2B (glutamate ionotropic receptor NMDA type subunit 2B; minus strand). Cytogenetic location: 12p13.1.
Variant type: single nucleotide variant.
Coding change: c.4107C>T on transcript NM_000834.5 (MANE Select); coding-DNA position 4107, C replaced by T.
Protein change: p.Gly1369=; no amino-acid change (glycine 1369 retained).
Molecular consequence: synonymous variant.
Genome position (GRCh38, 1-based): chr12:13,563,131, G>A on the plus strand (C>T on the coding strand, the complement: GRIN2B is on the minus strand). VCF-style: chr12-13563131-G-A. GRCh37 (hg19) VCF-style: chr12-13716065-G-A.
Identifiers: ClinVar variation 517103 (VCV000517103.11), dbSNP rs201732760, ClinGen allele CA6460784.